The following is an entry in ClinVar:

ClinVar aggregate classification (germline): Uncertain significance (1 of 4 stars; one submission).

gnomAD v4.1: 11 of 1,613,700 alleles (0.00068%); highest among the groups gnomAD compares: African/African-American, 0.0013%; no homozygotes.

Submission:

Labcorp Genetics (formerly Invitae), Labcorp
Classification: Uncertain significance. Last evaluated: 2024-09-21. Review status: criteria provided, single submitter. Criteria: Invitae Variant Classification Sherloc (09022015). Collection method: clinical testing. Allele origin: germline.
Comment: This sequence change replaces arginine, which is basic and polar, with glycine, which is neutral and non-polar, at codon 565 of the MMP9 protein (p.Arg565Gly). This variant is present in population databases (no rsID available, gnomAD 0.002%). This variant has not been reported in the literature in individuals affected with MMP9-related conditions. Invitae Evidence Modeling of protein sequence and biophysical properties (such as structural, functional, and spatial information, amino acid conservation, physicochemical variation, residue mobility, and thermodynamic stability) indicates that this missense variant is not expected to disrupt MMP9 protein function with a negative predictive value of 80%. In summary, the available evidence is currently insufficient to determine the role of this variant in disease. Therefore, it has been classified as a Variant of Uncertain Significance.

NM_004994.3(MMP9):c.1693C>G (p.Arg565Gly)

Genes: MMP9 (matrix metallopeptidase 9; plus strand), SLC12A5-AS1 (SLC12A5 and MMP9 antisense RNA 1; minus strand). Cytogenetic location: 20q13.12.
Variant type: single nucleotide variant.
Coding change: c.1693C>G on transcript NM_004994.3 (MANE Select); coding-DNA position 1693, C replaced by G.
Protein change: p.Arg565Gly; replaces arginine 565 with glycine.
Molecular consequence: missense variant. On other transcripts: non-coding transcript variant (1).
Genome position (GRCh38, 1-based): chr20:46,013,739, C>G. VCF-style: chr20-46013739-C-G. GRCh37 (hg19) VCF-style: chr20-44642378-C-G.
Other names: short protein forms R565G.
Identifiers: ClinVar variation 3696109 (VCV003696109.2).
Genomic context (GRCh38, chr20:46,013,739, plus strand): 5'-GGCAGGGGGAGCCGGCCGCAGGGCCCCTTCCTTATCGCCGACAAGTGGCCCGCGCTGCCC[C>G]GCAAGCTGGACTCGGTCTTTGAGGAGCGGCTCTCCAAGAAGCTTTTCTTCTTCTCTGGTT-3'
Protein context (NP_004985.2, residues 555-575): LIADKWPALP[Arg565Gly]KLDSVFEERL